The following is an entry in ClinVar:

NM_020791.4(TAOK1):c.713C>A (p.Ala238Asp)

Gene: TAOK1 (TAO kinase 1; plus strand). Cytogenetic location: 17q11.2.
Variant type: single nucleotide variant.
Coding change: c.713C>A on transcript NM_020791.4 (MANE Select); coding-DNA position 713, C replaced by A.
Protein change: p.Ala238Asp; replaces alanine 238 with aspartic acid.
Molecular consequence: missense variant.
Genome position (GRCh38, 1-based): chr17:29,489,721, C>A. VCF-style: chr17-29489721-C-A. GRCh37 (hg19) VCF-style: chr17-27816739-C-A.
Other names: c.713C>A, p.Ala238Asp (NM_025142.1); short protein forms A238D.
Identifiers: ClinVar variation 3236604 (VCV003236604.1), dbSNP rs2508226417, ClinGen allele CA399192556.
Genomic context (GRCh38, chr17:29,489,721, plus strand): 5'-CAGCGGAAAGGAAGCCTCCTTTATTTAATATGAATGCAATGAGTGCCTTATATCACATAG[C>A]CCAAAATGAATCCCCTACACTACAGTCTAATGAATGGTGAGTATTGTTAATATATATATT-3'
Protein context (NP_065842.1, residues 228-248): MNAMSALYHI[Ala238Asp]QNESPTLQSN

ClinVar aggregate classification (germline): Uncertain significance (1 of 4 stars; one submission).

Conditions:
Developmental delay with or without intellectual impairment or behavioral abnormalities. Identifiers: MedGen C5562004, MONDO:0859199, OMIM 619575.

Submission:

Clinical Genomics Laboratory, Washington University in St. Louis
Classification: Uncertain significance for Developmental delay with or without intellectual impairment or behavioral abnormalities. Last evaluated: 2024-02-21. Review status: criteria provided, single submitter. Criteria: ACMG Guidelines, 2015. Collection method: clinical testing. Allele origin: germline.
Comment: The TAOK1 c.713C>A (p.Ala238Asp) variant, to our knowledge, has not been reported in the medical literature or in the ClinVar database. This variant is absent from the general population (gnomAD v.2.1.1), indicating it is not a common variant. Computational predictors indicate that the variant is damaging, evidence that correlates with impact to TAOK1 function. Due to limited information, and based on ACMG/AMP guidelines for variant interpretation (Richards S et al., PMID: 25741868), the clinical significance of this variant is uncertain at this time.